The following is an entry in ClinVar:

ClinVar aggregate classification (germline): Benign/Likely benign. Review status: criteria provided, multiple submitters, no conflicts (2 of 4 stars). 3 submissions from 3 submitters: Benign (1); Likely benign (2). Last evaluated 2025-05-14.

Conditions:
Hereditary cancer-predisposing syndrome. Also called: Hereditary neoplastic syndrome; Hereditary Cancer Syndrome; Tumor predisposition; Neoplastic Syndromes, Hereditary. Identifiers: Orphanet 140162, MedGen C0027672, MeSH D009386, MONDO:0015356.
Multiple endocrine neoplasia, type 2 (MEN2). Identifiers: Orphanet 653, MedGen C4048306, MONDO:0019003. Disease mechanism: gain of function.
Multiple endocrine neoplasia type 2A. Also called: MULTIPLE ENDOCRINE NEOPLASIA, TYPE IIA; PTC SYNDROME; SIPPLE SYNDROME; MEN 2A; MEN-2A syndrome; Pheochromocytoma and amyloid producing medullary thyroid carcinoma. Identifiers: Orphanet 247698, Orphanet 653, MedGen C0025268, MeSH D018813, MONDO:0008234, OMIM 171400.

Allele frequency attached by ClinVar (database versions not stated): gnomAD exomes below 0.00001; TOPMed below 0.00001; gnomAD 0.00001.
gnomAD v4.1: 3 of 1,614,046 alleles (0.00019%); highest among the groups gnomAD compares: Admixed American, 0.0017%; no homozygotes.

Submissions (3):

Labcorp Genetics (formerly Invitae), Labcorp
Classification: Likely benign for Multiple endocrine neoplasia, type 2. Last evaluated: 2025-05-14. Review status: criteria provided, single submitter. Criteria: Invitae Variant Classification Sherloc (09022015). Collection method: clinical testing. Allele origin: germline.

Myriad Genetics, Inc.
Classification: Benign for Multiple endocrine neoplasia type 2A. Last evaluated: 2025-02-26. Review status: criteria provided, single submitter. Criteria: Myriad Autosomal Dominant, Autosomal Recessive and X-Linked Classification Criteria (2023). Collection method: clinical testing. Allele origin: unknown.
Comment: This variant is considered benign. This variant is a silent/synonymous amino acid change and it is not expected to impact splicing.

Ambry Genetics
Classification: Likely benign for Hereditary cancer-predisposing syndrome. Last evaluated: 2020-07-21. Review status: criteria provided, single submitter. Criteria: Ambry Variant Classification Scheme 2023. Collection method: clinical testing. Allele origin: germline.

NM_020975.6(RET):c.2319G>A (p.Leu773=)

Gene: RET (ret proto-oncogene; plus strand). Cytogenetic location: 10q11.21.
Variant type: single nucleotide variant.
Coding change: c.2319G>A on transcript NM_020975.6 (MANE Select); coding-DNA position 2319, G replaced by A.
Protein change: p.Leu773=; no amino-acid change (leucine 773 retained).
Molecular consequence: synonymous variant.
Genome position (GRCh38, 1-based): chr10:43,118,407, G>A. VCF-style: chr10-43118407-G-A. GRCh37 (hg19) VCF-style: chr10-43613855-G-A.
Other names: c.2319G>A, p.Leu773= (NM_000323.2, NM_001406743.1, NM_001406744.1 and 4 more transcripts); c.1557G>A, p.Leu519= (NM_001355216.2); c.2190G>A, p.Leu730= (NM_001406761.1, NM_001406762.1, NM_001406764.1); c.2184G>A, p.Leu728= (NM_001406763.1, NM_001406765.1); c.2031G>A, p.Leu677= (NM_001406766.1, NM_001406767.1, NM_001406770.1); c.2055G>A, p.Leu685= (NM_001406768.1); c.1923G>A, p.Leu641= (NM_001406769.1, NM_001406772.1); c.1881G>A, p.Leu627= (NM_001406771.1, NM_001406773.1); and 10 more.
Identifiers: ClinVar variation 1128766 (VCV001128766.13), dbSNP rs1270003828, ClinGen allele CA469028142.